The following is an entry in ClinVar:

ClinVar aggregate classification (germline): Conflicting classifications of pathogenicity. Review status: criteria provided, conflicting classifications (1 of 4 stars). 2 submissions from 2 submitters: Uncertain significance (1); Likely benign (1). Last evaluated 2025-10-15.

Conditions:
Hereditary cancer-predisposing syndrome. Also called: Neoplastic Syndromes, Hereditary; Tumor predisposition; Hereditary Cancer Syndrome; Hereditary neoplastic syndrome. Identifiers: Orphanet 140162, MedGen C0027672, MeSH D009386, MONDO:0015356.
Hereditary breast ovarian cancer syndrome. Also called: Hereditary breast and ovarian cancer; Hereditary breast and ovarian cancer syndrome (HBOC); Breast and ovarian cancer; Hereditary breast and/or ovarian cancer syndrome; BRCA1- and BRCA2-Associated Hereditary Breast and Ovarian Cancer; Hereditary breast and ovarian cancer syndrome. Identifiers: Orphanet 145, MedGen C0677776, MeSH D061325, MONDO:0003582. Disease mechanism: loss of function.

Submissions (3):

Ambry Genetics
Classification: Likely benign for Hereditary cancer-predisposing syndrome. Last evaluated: 2025-10-15. Review status: criteria provided, single submitter. Criteria: Ambry Variant Classification Scheme 2023. Collection method: clinical testing. Allele origin: germline.

Labcorp Genetics (formerly Invitae), Labcorp
Classification: Uncertain significance for Hereditary breast ovarian cancer syndrome. Last evaluated: 2022-02-18. Review status: criteria provided, single submitter. Criteria: Invitae Variant Classification Sherloc (09022015). Collection method: clinical testing. Allele origin: germline.
Comment: This variant is not present in population databases (gnomAD no frequency). This sequence change replaces proline, which is neutral and non-polar, with leucine, which is neutral and non-polar, at codon 1659 of the BRCA1 protein (p.Pro1659Leu). This variant has not been reported in the literature in individuals affected with BRCA1-related conditions. ClinVar contains an entry for this variant (Variation ID: 868075). Advanced modeling of protein sequence and biophysical properties (such as structural, functional, and spatial information, amino acid conservation, physicochemical variation, residue mobility, and thermodynamic stability) performed at Invitae indicates that this missense variant is not expected to disrupt BRCA1 protein function. In summary, the available evidence is currently insufficient to determine the role of this variant in disease. Therefore, it has been classified as a Variant of Uncertain Significance.

Brotman Baty Institute, University of Washington
No classification provided (evidence only). Condition: Breast-ovarian cancer, familial 1. Review status: no classification provided. Collection method: in vitro. Allele origin: not applicable. Functional consequence: functionally_normal. Not counted in ClinVar's aggregate classification.
ClinVar note: "not provided" was previously submitted as the classification for the variant. However, the classification appeared to be based only on an observation of functional data so it was converted to no classification on 2025-07-30.

NM_007294.4(BRCA1):c.4976C>T (p.Pro1659Leu)

Gene: BRCA1 (BRCA1 DNA repair associated; minus strand). Cytogenetic location: 17q21.31.
Variant type: single nucleotide variant.
Coding change: c.4976C>T on transcript NM_007294.4 (MANE Select); coding-DNA position 4976, C replaced by T.
Protein change: p.Pro1659Leu; replaces proline 1659 with leucine.
Molecular consequence: missense variant. On other transcripts: non-coding transcript variant (1).
Genome position (GRCh38, 1-based): chr17:43,070,938, G>A on the plus strand (C>T on the coding strand, the complement: BRCA1 is on the minus strand). VCF-style: chr17-43070938-G-A. GRCh37 (hg19) VCF-style: chr17-41222955-G-A.
Other names: c.4832C>T, p.Pro1611Leu (NM_001407736.1, NM_001407737.1, NM_001407748.1 and 21 more transcripts); c.4829C>T, p.Pro1610Leu (NM_001407838.1, NM_001407839.1, NM_001407841.1 and 12 more transcripts); c.4976C>T, p.Pro1659Leu (NM_001407854.1, NM_001407593.1, NM_001407594.1 and 8 more transcripts); c.4973C>T, p.Pro1658Leu (NM_001407858.1, NM_001407859.1, NM_001407860.1 and 17 more transcripts); c.4970C>T, p.Pro1657Leu (NM_001407861.1, NM_001407627.1, NM_001407628.1 and 14 more transcripts); c.4775C>T, p.Pro1592Leu (NM_001407862.1); c.4850C>T, p.Pro1617Leu (NM_001407863.1, NM_001407940.1, NM_001407670.1 and 11 more transcripts); c.4769C>T, p.Pro1590Leu (NM_001407874.1, NM_001407875.1); and 70 more; short protein forms P1680L, P1659L, P555L, P1612L, P1362L, P1363L, P1570L, P1617L.
Identifiers: ClinVar variation 868075 (VCV000868075.9), dbSNP rs2052357390, ClinGen allele CA10591573.